The following is an entry in ClinVar:

ClinVar aggregate classification (germline): Uncertain significance (0 of 4 stars; one submission).

Conditions:
IFT172-related disorder. Also called: IFT172-related disorders; IFT172-related condition.

Allele frequency attached by ClinVar (database versions not stated): gnomAD 0.00001; TOPMed below 0.00001.
gnomAD v4.1: 3 of 1,614,100 alleles (0.00019%); highest among the groups gnomAD compares: African/African-American, 0.0027%; no homozygotes.

Submission:

PreventionGenetics, part of Exact Sciences
Classification: Uncertain significance for IFT172-related condition. Last evaluated: 2024-01-05. Review status: no assertion criteria provided. Collection method: clinical testing. Allele origin: germline.
Comment: The IFT172 c.4696C>T variant is predicted to result in the amino acid substitution p.Arg1566Cys. This variant was reported de novo in a pair of siblings, one with Autism spectrum disorder and one without (Satterstrom et al. 2020. PubMed ID: 31981491). This variant is reported in 0.011% of alleles in individuals of African descent in gnomAD. At this time, the clinical significance of this variant is uncertain due to the absence of conclusive functional and genetic evidence.

NM_015662.3(IFT172):c.4696C>T (p.Arg1566Cys)

Genes: IFT172 (intraflagellar transport 172; minus strand), KRTCAP3 (keratinocyte associated protein 3; plus strand). Cytogenetic location: 2p23.3.
Variant type: single nucleotide variant.
Coding change: c.4696C>T on transcript NM_015662.3 (MANE Select); coding-DNA position 4696, C replaced by T.
Protein change: p.Arg1566Cys; replaces arginine 1566 with cysteine.
Molecular consequence: missense variant. On other transcripts: 3 prime UTR variant (1).
Genome position (GRCh38, 1-based): chr2:27,446,319, G>A on the plus strand (C>T on the coding strand, the complement: IFT172 is on the minus strand). VCF-style: chr2-27446319-G-A. GRCh37 (hg19) VCF-style: chr2-27669186-G-A.
Other names: c.*24G>A (NM_001168364.2); c.4630C>T, p.Arg1544Cys (NM_001410739.1); short protein forms R1544C, R1566C.
Identifiers: ClinVar variation 3040017 (VCV003040017.2), dbSNP rs1307442302, ClinGen allele CA346415471.